The following is an entry in ClinVar:

ClinVar aggregate classification (germline): Uncertain significance (1 of 4 stars; one submission).

Submission:

Labcorp Genetics (formerly Invitae), Labcorp
Classification: Uncertain significance. Last evaluated: 2023-10-13. Review status: criteria provided, single submitter. Criteria: Invitae Variant Classification Sherloc (09022015). Collection method: clinical testing. Allele origin: germline.
Comment: This sequence change falls in intron 20 of the ABCA4 gene. It does not directly change the encoded amino acid sequence of the ABCA4 protein. It affects a nucleotide within the consensus splice site. This variant is not present in population databases (gnomAD no frequency). This variant has not been reported in the literature in individuals affected with ABCA4-related conditions. ClinVar contains an entry for this variant (Variation ID: 1464798). Variants that disrupt the consensus splice site are a relatively common cause of aberrant splicing (PMID: 17576681, 9536098). Algorithms developed to predict the effect of sequence changes on RNA splicing suggest that this variant may disrupt the consensus splice site. This variant disrupts the c.3050+5G nucleotide in the ABCA4 gene. Other variant(s) that disrupt this nucleotide have been determined to be pathogenic (PMID: 10958763, 11726554, 19217903, 29162642). This suggests that this nucleotide is clinically significant, and that variants that disrupt this position are likely to be disease-causing. In summary, the available evidence is currently insufficient to determine the role of this variant in disease. Therefore, it has been classified as a Variant of Uncertain Significance.

Literature cited by the submitters: PubMed 17576681; PubMed 9536098; PubMed 10958763; PubMed 11726554; PubMed 19217903; PubMed 29162642.

NM_000350.3(ABCA4):c.3050+4dup

Gene: ABCA4 (ATP binding cassette subfamily A member 4; minus strand). Cytogenetic location: 1p22.1.
Variant type: Duplication.
Coding change: c.3050+4dup on transcript NM_000350.3 (MANE Select); 4 bases into the intron after coding-DNA position 3050, one base duplicated (A; older notation c.3050+4dupA).
Molecular consequence: intron variant.
Genome position (GRCh38, 1-based): chr1:94,044,609, T duplicated on the plus strand (A on the coding strand, the reverse complement: ABCA4 is on the minus strand); the first of 2 consecutive T bases (chr1:94,044,609-94,044,610); duplicating either gives the same sequence. VCF-style (leftmost placement, unchanged base first): chr1-94044608-C-CT. GRCh37 (hg19) VCF-style: chr1-94510164-C-CT.
Identifiers: ClinVar variation 1464798 (VCV001464798.8), dbSNP rs2101053365, ClinGen allele CA2573132710.